The following is an entry in ClinVar:

ClinVar aggregate classification (germline): Uncertain significance (1 of 4 stars; one submission).

Submission:

Labcorp Genetics (formerly Invitae), Labcorp
Classification: Uncertain significance. Last evaluated: 2025-02-27. Review status: criteria provided, single submitter. Criteria: Invitae Variant Classification Sherloc (09022015). Collection method: clinical testing. Allele origin: germline.
Comment: This sequence change replaces glycine, which is neutral and non-polar, with serine, which is neutral and polar, at codon 228 of the PTDSS1 protein (p.Gly228Ser). This variant is present in population databases (rs766157225, gnomAD 0.004%). This variant has not been reported in the literature in individuals affected with PTDSS1-related conditions. Invitae Evidence Modeling of protein sequence and biophysical properties (such as structural, functional, and spatial information, amino acid conservation, physicochemical variation, residue mobility, and thermodynamic stability) indicates that this missense variant is not expected to disrupt PTDSS1 protein function with a negative predictive value of 80%. In summary, the available evidence is currently insufficient to determine the role of this variant in disease. Therefore, it has been classified as a Variant of Uncertain Significance.

NM_014754.3(PTDSS1):c.682G>A (p.Gly228Ser)

Gene: PTDSS1 (phosphatidylserine synthase 1; plus strand). Cytogenetic location: 8q22.1.
Variant type: single nucleotide variant.
Coding change: c.682G>A on transcript NM_014754.3 (MANE Select); coding-DNA position 682, G replaced by A.
Protein change: p.Gly228Ser; replaces glycine 228 with serine.
Molecular consequence: missense variant.
Genome position (GRCh38, 1-based): chr8:96,299,775, G>A. VCF-style: chr8-96299775-G-A. GRCh37 (hg19) VCF-style: chr8-97312003-G-A.
Other names: c.244G>A, p.Gly82Ser (NM_001290225.2); short protein forms G82S, G228S.
Identifiers: ClinVar variation 4691372 (VCV004691372.1).
Genomic context (GRCh38, chr8:96,299,775, plus strand): 5'-CCCAATTTTGCCGAGTGCTGGTGGGATCAAGTCATTCTGGACATCCTGTTGTGCAATGGC[G>A]GTGGCATTTGGCTGGGCATGGTCGTTTGCCGGTTTTTAGAGATGAGGACTTACCACTGGG-3'
Protein context (NP_055569.1, residues 218-238): VILDILLCNG[Gly228Ser]GIWLGMVVCR